The following is an entry in ClinVar:

NM_001330360.2(POLA1):c.2038G>T (p.Gly680Trp)

Gene: POLA1 (DNA polymerase alpha 1, catalytic subunit; plus strand). Cytogenetic location: Xp22.11.
Variant type: single nucleotide variant.
Coding change: c.2038G>T on transcript NM_001330360.2 (MANE Select); coding-DNA position 2038, G replaced by T.
Protein change: p.Gly680Trp; replaces glycine 680 with tryptophan.
Molecular consequence: missense variant. On other transcripts: non-coding transcript variant (1).
Genome position (GRCh38, 1-based): chrX:24,737,739, G>T. VCF-style: chrX-24737739-G-T. GRCh37 (hg19) VCF-style: chrX-24755856-G-T.
Other names: c.1963G>T, p.Gly655Trp (NM_001378303.1); c.2020G>T, p.Gly674Trp (NM_016937.4); short protein forms G655W, G674W, G680W.
Identifiers: ClinVar variation 1418657 (VCV001418657.8), dbSNP rs749750264, ClinGen allele CA326902629.

ClinVar aggregate classification (germline): Uncertain significance (1 of 4 stars; one submission).

Allele frequency attached by ClinVar (database versions not stated): gnomAD 0.00001; TOPMed 0.00001.
gnomAD v4.1: 4 of 1,009,612 alleles (0.0004%); highest among the groups gnomAD compares: Non-Finnish European, 0.00055%; no homozygotes.

Submission:

Labcorp Genetics (formerly Invitae), Labcorp
Classification: Uncertain significance. Last evaluated: 2025-04-19. Review status: criteria provided, single submitter. Criteria: Invitae Variant Classification Sherloc (09022015). Collection method: clinical testing. Allele origin: germline.
Comment: This sequence change replaces glycine, which is neutral and non-polar, with tryptophan, which is neutral and slightly polar, at codon 674 of the POLA1 protein (p.Gly674Trp). This variant is present in population databases (no rsID available, gnomAD 0.001%). This variant has not been reported in the literature in individuals affected with POLA1-related conditions. ClinVar contains an entry for this variant (Variation ID: 1418657). An algorithm developed to predict the effect of missense changes on protein structure and function (PolyPhen-2) suggests that this variant is likely to be disruptive. In summary, the available evidence is currently insufficient to determine the role of this variant in disease. Therefore, it has been classified as a Variant of Uncertain Significance.